The following is an entry in ClinVar:

ClinVar aggregate classification (germline): Conflicting classifications of pathogenicity. Review status: criteria provided, conflicting classifications (1 of 4 stars). 3 submissions from 3 submitters: Uncertain significance (1); Likely benign (2). Last evaluated 2025-12-08.

Conditions:
BAP1-related tumor predisposition syndrome (TPDS1). Also called: Tumor susceptibility linked to germline BAP1 mutations; BAP1 tumor predisposition syndrome; COMMON Syndrome; TUMOR PREDISPOSITION SYNDROME 1. Identifiers: Orphanet 289539, MedGen C3280492, MONDO:0013692, OMIM 614327.
Hereditary cancer-predisposing syndrome. Also called: Hereditary Cancer Syndrome; Neoplastic Syndromes, Hereditary; Tumor predisposition; Hereditary neoplastic syndrome. Identifiers: Orphanet 140162, MedGen C0027672, MeSH D009386, MONDO:0015356.

Submissions (3):

Ambry Genetics
Classification: Likely benign for Hereditary cancer-predisposing syndrome. Last evaluated: 2025-12-08. Review status: criteria provided, single submitter. Criteria: Ambry Variant Classification Scheme 2023. Collection method: clinical testing. Allele origin: germline.

Labcorp Genetics (formerly Invitae), Labcorp
Classification: Uncertain significance for BAP1-related tumor predisposition syndrome. Last evaluated: 2025-05-13. Review status: criteria provided, single submitter. Criteria: Invitae Variant Classification Sherloc (09022015). Collection method: clinical testing. Allele origin: germline.
Comment: This sequence change affects codon 262 of the BAP1 mRNA. It is a 'silent' change, meaning that it does not change the encoded amino acid sequence of the BAP1 protein. It affects a nucleotide within the consensus splice site. This variant is not present in population databases (gnomAD no frequency). This variant has not been reported in the literature in individuals affected with BAP1-related conditions. ClinVar contains an entry for this variant (Variation ID: 490894). Algorithms developed to predict the effect of sequence changes on RNA splicing suggest that this variant is not likely to affect RNA splicing. In summary, the available evidence is currently insufficient to determine the role of this variant in disease. Therefore, it has been classified as a Variant of Uncertain Significance.

Color Diagnostics, LLC DBA Color Health
Classification: Likely benign for Hereditary cancer-predisposing syndrome. Last evaluated: 2017-03-08. Review status: criteria provided, single submitter. Criteria: ACMG Guidelines, 2015. Collection method: clinical testing. Allele origin: germline.

NM_004656.4(BAP1):c.784C>T (p.Leu262=)

Gene: BAP1 (BRCA1 associated deubiquitinase 1; minus strand). Cytogenetic location: 3p21.1.
Variant type: single nucleotide variant.
Coding change: c.784C>T on transcript NM_004656.4 (MANE Select); coding-DNA position 784, C replaced by T.
Protein change: p.Leu262=; no amino-acid change (leucine 262 retained).
Molecular consequence: synonymous variant.
Genome position (GRCh38, 1-based): chr3:52,405,912, G>A on the plus strand (C>T on the coding strand, the complement: BAP1 is on the minus strand). VCF-style: chr3-52405912-G-A. GRCh37 (hg19) VCF-style: chr3-52439928-G-A.
Other names: c.784C>T (NM_004656.2).
Identifiers: ClinVar variation 490894 (VCV000490894.5), dbSNP rs1553645526, ClinGen allele CA433775841.
Genomic context (GRCh38, chr3:52,405,912, plus strand): 5'-GCAGCTGTGACTCTTGAGACTTGTGGGTCTGAATCAGCTCTGGCTGTGTTACTCTTATCA[G>A]CTAACAACAGAATCCAGGGCTCAGAGGAGAAAGGGTAGACCCGGGCTTCTACCTTAAATA-3'
Protein context (NP_004647.1, residues 252-272): RQTVLEALQQ[Leu262=]IRVTQPELIQ